The following is an entry in ClinVar:

NM_001690.4(ATP6V1A):c.1166C>T (p.Ala389Val)

Gene: ATP6V1A (ATPase H+ transporting V1 subunit A; plus strand). Cytogenetic location: 3q13.31.
Variant type: single nucleotide variant.
Coding change: c.1166C>T on transcript NM_001690.4 (MANE Select); coding-DNA position 1166, C replaced by T.
Protein change: p.Ala389Val; replaces alanine 389 with valine.
Molecular consequence: missense variant.
Genome position (GRCh38, 1-based): chr3:113,795,144, C>T. VCF-style: chr3-113795144-C-T. GRCh37 (hg19) VCF-style: chr3-113513991-C-T.
Other names: short protein forms A389V.
Identifiers: ClinVar variation 2706946 (VCV002706946.3), dbSNP rs2549724017, ClinGen allele CA354018869.

ClinVar aggregate classification (germline): Uncertain significance (1 of 4 stars; one submission).

Submission:

Labcorp Genetics (formerly Invitae), Labcorp
Classification: Uncertain significance. Last evaluated: 2024-01-02. Review status: criteria provided, single submitter. Criteria: Invitae Variant Classification Sherloc (09022015). Collection method: clinical testing. Allele origin: germline.
Comment: This sequence change replaces alanine, which is neutral and non-polar, with valine, which is neutral and non-polar, at codon 389 of the ATP6V1A protein (p.Ala389Val). This variant is not present in population databases (gnomAD no frequency). This variant has not been reported in the literature in individuals affected with ATP6V1A-related conditions. Advanced modeling of protein sequence and biophysical properties (such as structural, functional, and spatial information, amino acid conservation, physicochemical variation, residue mobility, and thermodynamic stability) performed at Invitae indicates that this missense variant is expected to disrupt ATP6V1A protein function with a positive predictive value of 80%. In summary, the available evidence is currently insufficient to determine the role of this variant in disease. Therefore, it has been classified as a Variant of Uncertain Significance.